The following is an entry in ClinVar:

NM_015409.5(EP400):c.8198_8202dup (p.Gln2735fs)

Gene: EP400 (E1A binding protein p400; plus strand). Cytogenetic location: 12q24.33.
Variant type: Duplication.
Coding change: c.8198_8202dup on transcript NM_015409.5 (MANE Select); coding-DNA positions 8198 to 8202, 5 bases duplicated (AGCAG; older notation c.8198_8202dupAGCAG).
Protein change: p.Gln2735fs; shifts the reading frame from glutamine 2735.
Molecular consequence: frameshift variant.
Genome position (GRCh38, 1-based): chr12:132,062,565-132,062,569, AGCAG duplicated. VCF-style (leftmost placement, unchanged base first): chr12-132062564-C-CAGCAG. GRCh37 (hg19) VCF-style: chr12-132547109-C-CAGCAG.
Other names: short protein forms Q2735fs.
Identifiers: ClinVar variation 2628893 (VCV002628893.1), dbSNP rs2541003381, ClinGen allele CA2695199191.

ClinVar aggregate classification (germline): Uncertain significance (1 of 4 stars; one submission).

Conditions:
EP400-related disorder. Also called: EP400-related condition.

Submission:

PreventionGenetics, part of Exact Sciences
Classification: Uncertain significance for EP400-related condition. Last evaluated: 2023-07-12. Review status: criteria provided, single submitter. Criteria: ACMG Guidelines, 2015. Collection method: clinical testing. Allele origin: germline.
Comment: The EP400 c.8198_8202dup5 variant is predicted to result in a frameshift and premature protein termination (p.Gln2735Serfs*44). To our knowledge, this variant has not been reported in the literature or in a large population database, indicating this variant is rare. Of note, loss of function is not an established mechanism of EP400-related disease. At this time, the clinical significance of this variant is uncertain due to the absence of conclusive functional and genetic evidence.